The following is an entry in ClinVar:

NM_000181.4(GUSB):c.1792C>G (p.Pro598Ala)

Gene: GUSB (glucuronidase beta; minus strand). Cytogenetic location: 7q11.21.
Variant type: single nucleotide variant.
Coding change: c.1792C>G on transcript NM_000181.4 (MANE Select); coding-DNA position 1792, C replaced by G.
Protein change: p.Pro598Ala; replaces proline 598 with alanine.
Molecular consequence: missense variant. On other transcripts: non-coding transcript variant (1).
Genome position (GRCh38, 1-based): chr7:65,961,061, G>C on the plus strand (C>G on the coding strand, the complement: GUSB is on the minus strand). VCF-style: chr7-65961061-G-C. GRCh37 (hg19) VCF-style: chr7-65426048-G-C.
Other names: c.1354C>G, p.Pro452Ala (NM_001284290.2); c.1222C>G, p.Pro408Ala (NM_001293104.2); c.1135C>G, p.Pro379Ala (NM_001293105.2); short protein forms P379A, P408A, P452A, P598A.
Identifiers: ClinVar variation 2202369 (VCV002202369.1), dbSNP rs1166580286, ClinGen allele CA367637724.

ClinVar aggregate classification (germline): Uncertain significance (1 of 4 stars; one submission).

Conditions:
Mucopolysaccharidosis type 7 (MPS7). Also called: MPS VII; SLY SYNDROME; BETA-GLUCURONIDASE DEFICIENCY; GUSB DEFICIENCY. Identifiers: Orphanet 584, MedGen C0085132, MONDO:0009662, OMIM 253220.

Allele frequency attached by ClinVar (database versions not stated): TOPMed below 0.00001; gnomAD 0.00001; gnomAD exomes 0.00001.

Submission:

Labcorp Genetics (formerly Invitae), Labcorp
Classification: Uncertain significance for Mucopolysaccharidosis type 7. Last evaluated: 2022-08-19. Review status: criteria provided, single submitter. Criteria: Invitae Variant Classification Sherloc (09022015). Collection method: clinical testing. Allele origin: germline.
Comment: This sequence change replaces proline, which is neutral and non-polar, with alanine, which is neutral and non-polar, at codon 598 of the GUSB protein (p.Pro598Ala). This variant is not present in population databases (gnomAD no frequency). This variant has not been reported in the literature in individuals affected with GUSB-related conditions. Algorithms developed to predict the effect of missense changes on protein structure and function (SIFT, PolyPhen-2, Align-GVGD) all suggest that this variant is likely to be tolerated. Algorithms developed to predict the effect of sequence changes on RNA splicing suggest that this variant may create or strengthen a splice site. In summary, the available evidence is currently insufficient to determine the role of this variant in disease. Therefore, it has been classified as a Variant of Uncertain Significance.